The following is an entry in ClinVar:

ClinVar aggregate classification (germline): Uncertain significance (1 of 4 stars; one submission).

Allele frequency attached by ClinVar (database versions not stated): gnomAD 0.00001.

Submission:

Labcorp Genetics (formerly Invitae), Labcorp
Classification: Uncertain significance. Last evaluated: 2022-11-15. Review status: criteria provided, single submitter. Criteria: Invitae Variant Classification Sherloc (09022015). Collection method: clinical testing. Allele origin: germline.
Comment: This variant has not been reported in the literature in individuals affected with ATP1A1-related conditions. In summary, the available evidence is currently insufficient to determine the role of this variant in disease. Therefore, it has been classified as a Variant of Uncertain Significance. Variants that disrupt the consensus splice site are a relatively common cause of aberrant splicing (PMID: 17576681, 9536098). Algorithms developed to predict the effect of sequence changes on RNA splicing suggest that this variant is not likely to affect RNA splicing. This variant is not present in population databases (gnomAD no frequency). This sequence change falls in intron 7 of the ATP1A1 gene. It does not directly change the encoded amino acid sequence of the ATP1A1 protein. It affects a nucleotide within the consensus splice site.

Literature cited by the submitters: PubMed 17576681; PubMed 9536098.

NM_000701.8(ATP1A1):c.754+2dup

Gene: ATP1A1 (ATPase Na+/K+ transporting subunit alpha 1; plus strand). Cytogenetic location: 1p13.1.
Variant type: Duplication.
Coding change: c.754+2dup on transcript NM_000701.8 (MANE Select); the canonical splice donor site of the intron after coding-DNA position 754, one base duplicated (T; older notation c.754+2dupT).
Molecular consequence: splice donor variant.
Genome position (GRCh38, 1-based): chr1:116,389,021, T duplicated. VCF-style (leftmost placement, unchanged base first): chr1-116389020-G-GT. GRCh37 (hg19) VCF-style: chr1-116931642-G-GT.
Other names: c.754+2dup (NM_001160233.2); c.661+2dup (NM_001160234.2).
Identifiers: ClinVar variation 2814356 (VCV002814356.3), dbSNP rs2525831735, ClinGen allele CA2603642584.